The following is an entry in ClinVar:

ClinVar aggregate classification (germline): Uncertain significance (1 of 4 stars; one submission).

Submission:

GeneDx
Classification: Uncertain significance. Last evaluated: 2021-05-24. Review status: criteria provided, single submitter. Criteria: GeneDx Variant Classification Process June 2021. Collection method: clinical testing. Allele origin: germline. Affected: yes.
Comment: Not observed at significant frequency in large population cohorts (Lek et al., 2016); In silico analysis supports that this missense variant does not alter protein structure/function; Has not been previously published as pathogenic or benign to our knowledge

NM_006623.4(PHGDH):c.1048C>G (p.Pro350Ala)

Gene: PHGDH (phosphoglycerate dehydrogenase; plus strand). Cytogenetic location: 1p12.
Variant type: single nucleotide variant.
Coding change: c.1048C>G on transcript NM_006623.4 (MANE Select); coding-DNA position 1048, C replaced by G.
Protein change: p.Pro350Ala; replaces proline 350 with alanine.
Molecular consequence: missense variant.
Genome position (GRCh38, 1-based): chr1:119,740,488, C>G. VCF-style: chr1-119740488-C-G. GRCh37 (hg19) VCF-style: chr1-120283111-C-G.
Other names: short protein forms P350A.
Identifiers: ClinVar variation 1326743 (VCV001326743.2), dbSNP rs765032455, ClinGen allele CA341852533.